The following is an entry in ClinVar:

NM_000444.6(PHEX):c.332_334del (p.Val111del)

Gene: PHEX (phosphate regulating endopeptidase X-linked; plus strand). Cytogenetic location: Xp22.11.
Variant type: Deletion.
Coding change: c.332_334del on transcript NM_000444.6 (MANE Select); coding-DNA positions 332 to 334, 3 bases deleted (TTG; older notation c.332_334delTTG).
Protein change: p.Val111del; deletes valine 111.
Molecular consequence: inframe deletion.
Genome position (GRCh38, 1-based): chrX:22,047,194-22,047,196, TTG deleted; deleting any 3 consecutive bases within chrX:22,047,192-22,047,196 gives the same sequence; the c. name uses the placement nearest the transcript's 3' end. VCF-style (leftmost placement, unchanged base first): chrX-22047191-ATGT-A. GRCh37 (hg19) VCF-style: chrX-22065309-ATGT-A.
Other names: c.332_334del, p.Val111del (NM_001282754.2); short protein forms V111del.
Identifiers: ClinVar variation 422708 (VCV000422708.13), dbSNP rs1064795949, ClinGen allele CA16621307.
Genomic context (GRCh38, chrX:22,047,191, plus strand): 5'-GCAATAATCCAATTCCCGAAGATATGCCAAGCTATGGGGTTTATCCTTGGCTGAGACATA[ATGT>A]TGACCTCAAGTTGAAGGGTAAGTTTCTACTGGGGTTTGGTGATACACTTTATAGAGAGCA-3'

ClinVar aggregate classification (germline): Conflicting classifications of pathogenicity. Review status: criteria provided, conflicting classifications (1 of 4 stars). 3 submissions from 3 submitters: Likely pathogenic (1); Uncertain significance (2). Last evaluated 2022-07-23.

Submissions (3):

Labcorp Genetics (formerly Invitae), Labcorp
Classification: Uncertain significance. Last evaluated: 2022-07-23. Review status: criteria provided, single submitter. Criteria: Invitae Variant Classification Sherloc (09022015). Collection method: clinical testing. Allele origin: germline.
Comment: This variant, c.332_334del, results in the deletion of 1 amino acid(s) of the PHEX protein (p.Val111del), but otherwise preserves the integrity of the reading frame. This variant is not present in population databases (gnomAD no frequency). This variant has been observed in individual(s) with X-linked hypophosphatemia (XLH) (Invitae). ClinVar contains an entry for this variant (Variation ID: 422708). Experimental studies and prediction algorithms are not available or were not evaluated, and the functional significance of this variant is currently unknown. In summary, the available evidence is currently insufficient to determine the role of this variant in disease. Therefore, it has been classified as a Variant of Uncertain Significance.

Mendelics
Classification: Uncertain significance. Last evaluated: 2022-05-04. Review status: criteria provided, single submitter. Criteria: Mendelics Assertion Criteria 2019. Collection method: clinical testing. Allele origin: germline.

GeneDx
Classification: Likely pathogenic. Last evaluated: 2016-11-02. Review status: criteria provided, single submitter. Criteria: GeneDx Variant Classification (06012015). Collection method: clinical testing. Allele origin: germline. Affected: yes.
Comment: The c.332_334delTTG variant in the PHEX gene has not been published as a pathogenic variant, nor has it been reported as a benign variant to our knowledge. This in-frame deletion results in the loss of a single Valine residue, denoted p.V111del. The deleted amino acid is conserved among species. Although the c.332_334delTTG variant does not result in a shift in reading frame or a premature stop codon, an adjacent in-frame deletion has been reported in the Human Gene Mutation Database in association with hypophosphatemic rickets (Stenson et al., 2014). In addition, the c.332_334delTTG variant was not observed in approximately 6,500 individuals of European and African American ancestry in the NHLBI Exome Sequencing Project. Therefore, this variant is likely pathogenic; however, the possibility that it is benign cannot be excluded.